The following continues an entry in ClinVar:

NM_000492.4(CFTR):c.1826A>G (p.His609Arg)

Gene: CFTR. ClinVar aggregate classification (germline): Pathogenic. Pathogenic (1).

Submissions 12 to 16 of 16:

ARUP Laboratories, Molecular Genetics and Genomics, ARUP Laboratories
Classification: Likely pathogenic. Last evaluated: 2018-07-29. Review status: criteria provided, single submitter. Criteria: ARUP Molecular Germline Variant Investigation Process. Collection method: clinical testing. Allele origin: germline. Not counted in ClinVar's aggregate classification.
Comment: The CFTR c.1826A>G; p.His609Arg variant (rs397508310) has been reported in numerous individuals affected with cystic fibrosis, either in the homozygous state or in trans with another pathogenic variant (Keyeux 2003, McGinniss 2005, Moya-Quiles 2009, Ortiz 2017, Schrijver 2016, CFTR2 database). The variant is listed in ClinVar (Variation ID: 53398) and is absent from general population databases (1000 Genomes Project, Exome Variant Server, Genome Aggregation Database), indicating it is not a common polymorphism. The histidine at residue 609 is moderately conserved, and computational algorithms (PolyPhen-2: damaging; SIFT: tolerated) predict conflicting effects of this variant on protein structure/function. Using a cell-based assay measuring CFTR-generated current, one study observed p.His609Arg variant activity at 2.2% of wildtype (Rareigh 2018). Based on available information, this variant is considered to be likely pathogenic. References: CFTR2 database: Keyeux G et al. CFTR mutations in patients from Colombia: implications for local and regional molecular diagnosis programs. Hum Mutat. 2003 Sep;22(3):259. McGinniss MJ et al. Extensive sequencing of the CFTR gene: lessons learned from the first 157 patient samples. Hum Genet. 2005 Dec;118(3-4):331-8. Moya-Quiles MR et al. CFTR H609R mutation in Ecuadorian patients with cystic fibrosis. J Cyst Fibros. 2009 Jul;8(4):280-1. Ortiz SC et al. Spectrum of CFTR gene mutations in Ecuadorian cystic fibrosis patients: the second report of the p.H609R mutation. Mol Genet Genomic Med. 2017 Nov;5(6):751-757. Raraigh KS et al. Functional Assays Are Essential for Interpretation of Missense Variants Associated with Variable Expressivity. Am J Hum Genet. 2018 Jun 7;102(6):1062-1077. Schrijver I et al. The Spectrum of CFTR Variants in Nonwhite Cystic Fibrosis Patients: Implications for Molecular Diagnostic Testing. J Mol Diagn. 2016 Jan;18(1):39-50.

CFTR-France
Classification: Pathogenic for cystic fibrosis; CFTR-related disorders. Last evaluated: 2018-03-09. Review status: criteria provided, single submitter. Criteria: Claustres M et al. (Hum Mutat 2017). Collection method: curation. Allele origin: germline. Affected: yes. Not counted in ClinVar's aggregate classification.
Comment: the variant causes a phenotype but regarding our data, we can't formally attribute it to CF, CFTR-RD or both

Women's Health and Genetics/Laboratory Corporation of America, LabCorp
Classification: Pathogenic for Cystic fibrosis. Last evaluated: 2017-02-28. Review status: criteria provided, single submitter. Criteria: LabCorp Variant Classification Summary - May 2015. Collection method: clinical testing. Allele origin: germline. Not counted in ClinVar's aggregate classification.
Comment: Variant summary: The CFTR c.1826A>G (p.His609Arg) variant located in the P-loop containing nucleoside triphosphate hydrolase (via InterPro) causes a missense change involving a conserved nucleotide, which 4/5 in silico tools predict a damaging outcome for this variant. This variant is absent in 119096 control chromosomes. Multiple publications cite the variant in affected individuals diagnosed with CF including both compound heterozygotes and 4 homozygous individuals, who are indicated to have a more severe phenotype than the compound heterozygous individuals. Although, no clinical diagnostic laboratories have cited this variant with a classification. In addition, LCA has classified additional missense variants surrounding the variant of interest in the pathogenic spectrum such as c.1837A>G (p.Ala613Thr VUS-possibly pathogenic), c.1841A>G (p.Asp614Gly pathogenic), and c.1853T>C (p.Ile618Thr VUS-possibly pathogenic), therefore, suggesting this region could be important for proper CFTR function. Taken together, this variant is classified as pathogenic.

Counsyl
Classification: Likely pathogenic for Cystic fibrosis. Last evaluated: 2018-10-05. Review status: no assertion criteria provided. Collection method: clinical testing. Allele origin: unknown. Not counted in ClinVar's aggregate classification.

ClinVar Staff, National Center for Biotechnology Information (NCBI)
No classification provided. Condition: CFTR-related disorders. Review status: no classification provided. Collection method: literature only. Allele origin: germline. Affected: yes. Not counted in ClinVar's aggregate classification.

Literature cited by the submitters: PubMed 19457724 (cited by 7 submitters); PubMed 30888834 (cited by Natera, Inc.); PubMed 36437230 (cited by Natera, Inc.); PubMed 14685937 (cited by 4 submitters); PubMed 16189704 (cited by 5 submitters); PubMed 16963320 (cited by 4 submitters); PubMed 26708955 (cited by 3 submitters); PubMed 29178639 (cited by 3 submitters); PubMed 11883825 (cited by 5 submitters); PubMed 12938099 (cited by 4 submitters); PubMed 23974870 (cited by Quest Diagnostics Nichols Institute San Juan Capistrano); PubMed 30763667 (cited by Quest Diagnostics Nichols Institute San Juan Capistrano and Mayo Clinic Laboratories, Mayo Clinic); PubMed 29805046 (cited by Quest Diagnostics Nichols Institute San Juan Capistrano and Mayo Clinic Laboratories, Mayo Clinic); PubMed 27577878 (cited by Mayo Clinic Laboratories, Mayo Clinic and Ambry Genetics); PubMed 31036917 (cited by Mayo Clinic Laboratories, Mayo Clinic); PubMed 32777524 (cited by Mayo Clinic Laboratories, Mayo Clinic); PubMed 23687349 (cited by Women's Health and Genetics/Laboratory Corporation of America, LabCorp); PubMed 20100616 (cited by Women's Health and Genetics/Laboratory Corporation of America, LabCorp).